The following is an entry in ClinVar:

NM_004260.4(RECQL4):c.2769G>A (p.Leu923=)

Gene: RECQL4 (RecQ like helicase 4; minus strand). Cytogenetic location: 8q24.3.
Variant type: single nucleotide variant.
Coding change: c.2769G>A on transcript NM_004260.4 (MANE Select); coding-DNA position 2769, G replaced by A.
Protein change: p.Leu923=; no amino-acid change (leucine 923 retained).
Molecular consequence: synonymous variant.
Genome position (GRCh38, 1-based): chr8:144,512,758, C>T on the plus strand (G>A on the coding strand, the complement: RECQL4 is on the minus strand). VCF-style: chr8-144512758-C-T. GRCh37 (hg19) VCF-style: chr8-145738141-C-T.
Identifiers: ClinVar variation 529086 (VCV000529086.16), dbSNP rs368618566, ClinGen allele CA4948080.

ClinVar aggregate classification (germline): Likely benign. Review status: criteria provided, multiple submitters, no conflicts (2 of 4 stars). 5 submissions from 5 submitters: Likely benign (4). 1 of the submissions does not count toward it. Last evaluated 2026-01-13.

Conditions:
Baller-Gerold syndrome (BGS). Also called: CRANIOSYNOSTOSIS WITH RADIAL DEFECTS. Identifiers: Orphanet 1225, MedGen C0265308, MONDO:0009039, OMIM 218600.
Hereditary cancer-predisposing syndrome. Also called: Hereditary neoplastic syndrome; Tumor predisposition; Neoplastic Syndromes, Hereditary; Hereditary Cancer Syndrome. Identifiers: Orphanet 140162, MedGen C0027672, MeSH D009386, MONDO:0015356.
RECQL4-related disorder. Also called: RECQL4-related condition; RECQL4-related disorders.

Allele frequency attached by ClinVar (database versions not stated): gnomAD exomes 0.00007; TOPMed 0.00008; ExAC 0.00009; gnomAD 0.00011; ESP Exome Variant Server 0.00016.
gnomAD v4.1: 279 of 1,611,812 alleles (0.017%); highest among the groups gnomAD compares: Non-Finnish European, 0.022%; no homozygotes.

Submissions (5):

Labcorp Genetics (formerly Invitae), Labcorp
Classification: Likely benign for Baller-Gerold syndrome. Last evaluated: 2026-01-13. Review status: criteria provided, single submitter. Criteria: Invitae Variant Classification Sherloc (09022015). Collection method: clinical testing. Allele origin: germline.

Blueprint Genetics
Classification: Likely benign. Last evaluated: 2022-10-04. Review status: criteria provided, single submitter. Criteria: ACMG Guidelines, 2015. Collection method: clinical testing. Allele origin: germline.

Sema4
Classification: Likely benign for Hereditary cancer-predisposing syndrome. Last evaluated: 2021-07-15. Review status: criteria provided, single submitter. Criteria: Sema4 Curation Guidelines. Collection method: curation. Allele origin: germline.

GeneDx
Classification: Likely benign. Last evaluated: 2020-11-02. Review status: criteria provided, single submitter. Criteria: GeneDx Variant Classification Process June 2021. Collection method: clinical testing. Allele origin: germline. Affected: yes.

PreventionGenetics, part of Exact Sciences
Classification: Likely benign for RECQL4-related condition. Last evaluated: 2024-04-16. Review status: no assertion criteria provided. Collection method: clinical testing. Allele origin: germline. Not counted in ClinVar's aggregate classification.
Comment: This variant is classified as likely benign based on ACMG/AMP sequence variant interpretation guidelines (Richards et al. 2015 PMID: 25741868, with internal and published modifications).